The following is an entry in ClinVar:

ClinVar aggregate classification (germline): Uncertain significance (1 of 4 stars; one submission).

Submission:

Greenwood Genetic Center Diagnostic Laboratories, Greenwood Genetic Center
Classification: Uncertain significance. Last evaluated: 2025-04-14. Review status: criteria provided, single submitter. Criteria: ACMG Guidelines, 2015. Collection method: clinical testing. Allele origin: germline. Affected: yes.
Comment: PM2, PM3_Supporting, BP4

NM_006755.2(TALDO1):c.462-1339G>A

Gene: TALDO1 (transaldolase 1; plus strand). Cytogenetic location: 11p15.5.
Variant type: single nucleotide variant.
Coding change: c.462-1339G>A on transcript NM_006755.2 (MANE Select); 1339 bases into the intron before coding-DNA position 462, G replaced by A.
Molecular consequence: intron variant.
Genome position (GRCh38, 1-based): chr11:762,005, G>A. VCF-style: chr11-762005-G-A. GRCh37 (hg19) VCF-style: chr11-762005-G-A.
Identifiers: ClinVar variation 4538355 (VCV004538355.1).